The following is an entry in ClinVar:

ClinVar aggregate classification (germline): Uncertain significance (1 of 4 stars; one submission).

Submission:

Greenwood Genetic Center Diagnostic Laboratories, Greenwood Genetic Center
Classification: Uncertain significance. Last evaluated: 2025-02-26. Review status: criteria provided, single submitter. Criteria: ACMG Guidelines, 2015. Collection method: clinical testing. Allele origin: germline.
Comment: PM2, PM3_Supporting, PP3

NM_001101426.4(CRPPA):c.1339C>G (p.Gln447Glu)

Gene: CRPPA (CDP-L-ribitol pyrophosphorylase A; minus strand). Cytogenetic location: 7p21.2.
Variant type: single nucleotide variant.
Coding change: c.1339C>G on transcript NM_001101426.4 (MANE Select); coding-DNA position 1339, C replaced by G.
Protein change: p.Gln447Glu; replaces glutamine 447 with glutamic acid.
Molecular consequence: missense variant. On other transcripts: non-coding transcript variant (1).
Genome position (GRCh38, 1-based): chr7:16,091,712, G>C on the plus strand (C>G on the coding strand, the complement: CRPPA is on the minus strand). VCF-style: chr7-16091712-G-C. GRCh37 (hg19) VCF-style: chr7-16131337-G-C.
Other names: c.1189C>G, p.Gln397Glu (NM_001101417.4); c.1234C>G, p.Gln412Glu (NM_001368197.1); short protein forms Q397E, Q412E, Q447E.
Identifiers: ClinVar variation 4850842 (VCV004850842.1).